The following is an entry in ClinVar:

NM_213599.3(ANO5):c.1544C>A (p.Ser515Ter)

Gene: ANO5 (anoctamin 5; plus strand). Cytogenetic location: 11p14.3.
Variant type: single nucleotide variant.
Coding change: c.1544C>A on transcript NM_213599.3 (MANE Select); coding-DNA position 1544, C replaced by A.
Protein change: p.Ser515Ter; replaces serine 515 with a stop codon.
Molecular consequence: nonsense.
Genome position (GRCh38, 1-based): chr11:22,259,655, C>A. VCF-style: chr11-22259655-C-A. GRCh37 (hg19) VCF-style: chr11-22281201-C-A.
Other names: c.1541C>A, p.Ser514Ter (NM_001142649.2); short protein forms S514*, S515*.
Identifiers: ClinVar variation 951573 (VCV000951573.8), dbSNP rs1854126127, ClinGen allele CA379922262.

ClinVar aggregate classification (germline): Pathogenic (1 of 4 stars; one submission).

Conditions:
Autosomal recessive limb-girdle muscular dystrophy type 2L (LGMDR12). Also called: Limb-girdle muscular dystrophy, type 2L; MUSCULAR DYSTROPHY, LIMB-GIRDLE, AUTOSOMAL RECESSIVE 12; Limb-Girdle Muscular Dystrophy R12 Anoctamin-5-Related (LGMD-R12). Identifiers: Orphanet 206549, MedGen C1969785, MONDO:0012652, OMIM 611307.
Gnathodiaphyseal dysplasia (GDD). Also called: GNATHODIAPHYSEAL SCLEROSIS; OSTEOGENESIS IMPERFECTA WITH UNUSUAL SKELETAL LESIONS. Identifiers: Orphanet 53697, MedGen C1833736, MONDO:0008151, OMIM 166260.

Submission:

Labcorp Genetics (formerly Invitae), Labcorp
Classification: Pathogenic for Autosomal recessive limb-girdle muscular dystrophy type 2L; Gnathodiaphyseal dysplasia. Last evaluated: 2022-01-13. Review status: criteria provided, single submitter. Criteria: Invitae Variant Classification Sherloc (09022015). Collection method: clinical testing. Allele origin: germline.
Comment: ClinVar contains an entry for this variant (Variation ID: 951573). For these reasons, this variant has been classified as Pathogenic. This variant has not been reported in the literature in individuals affected with ANO5-related conditions. This variant is not present in population databases (gnomAD no frequency). This sequence change creates a premature translational stop signal (p.Ser515*) in the ANO5 gene. It is expected to result in an absent or disrupted protein product. Loss-of-function variants in ANO5 are known to be pathogenic (PMID: 21186264, 23606453, 25891276, 30919934).

Literature cited by the submitters: PubMed 21186264; PubMed 23606453; PubMed 25891276; PubMed 30919934.